The following is an entry in ClinVar:

ClinVar aggregate classification (germline): Benign (1 of 4 stars; one submission).

Conditions:
Glycogen storage disease, type II (IOPD). Also called: Pompe Disease; CARDIOMEGALIA GLYCOGENICA DIFFUSA; GLYCOGENOSIS, GENERALIZED, CARDIAC FORM; GSD II; POMPE DISEASE, INFANTILE-ONSET; GLYCOGEN STORAGE DISEASE II, INFANTILE-ONSET. Identifiers: Orphanet 365, MedGen C0017921, MONDO:0009290, OMIM 232300.

Submission:

Genomenon, Inc
Classification: Benign for Glycogen storage disease, type II. Last evaluated: 2026-07-01. Review status: criteria provided, single submitter. Criteria: Genomenon Sequence Variant Interpretation Standards - Updated. Collection method: curation. Allele origin: germline. Affected: no.
Comment: GAA c.2190-536G>A is an intronic variant located in intron 15. This variant is present at high allele frequency in population databases. We classify GAA c.2190-536G>A as a benign variant.

NM_000152.5(GAA):c.2190-536G>A

Gene: GAA (alpha glucosidase; plus strand). Cytogenetic location: 17q25.3.
Variant type: single nucleotide variant.
Coding change: c.2190-536G>A on transcript NM_000152.5 (MANE Select); 536 bases into the intron before coding-DNA position 2190, G replaced by A.
Molecular consequence: intron variant.
Genome position (GRCh38, 1-based): chr17:80,116,432, G>A. VCF-style: chr17-80116432-G-A. GRCh37 (hg19) VCF-style: chr17-78090231-G-A.
Other names: c.2190-536G>A (NM_001406741.1, NM_001406742.1, NM_001079803.3 and 1 more transcripts).
Identifiers: ClinVar variation 4876378 (VCV004876378.1).